The following is an entry in ClinVar:

NM_012388.4(BLOC1S6):c.313-1G>A

Gene: BLOC1S6 (biogenesis of lysosomal organelles complex 1 subunit 6; plus strand). Cytogenetic location: 15q21.1.
Variant type: single nucleotide variant.
Coding change: c.313-1G>A on transcript NM_012388.4 (MANE Select); the canonical splice acceptor site of the intron before coding-DNA position 313, G replaced by A.
Molecular consequence: splice acceptor variant.
Genome position (GRCh38, 1-based): chr15:45,605,427, G>A. VCF-style: chr15-45605427-G-A. GRCh37 (hg19) VCF-style: chr15-45897625-G-A.
Other names: c.328-1G>A (NM_001311255.1); c.240-1G>A (NM_001311256.1).
Identifiers: ClinVar variation 2719871 (VCV002719871.2), dbSNP rs2542297010, ClinGen allele CA392300521.

ClinVar aggregate classification (germline): Likely pathogenic (1 of 4 stars; one submission).

Conditions:
Hermansky-Pudlak syndrome 9 (HPS9). Identifiers: Orphanet 280663, Orphanet 79430, MedGen C3280026, MONDO:0013606, OMIM 614171.

Submission:

Labcorp Genetics (formerly Invitae), Labcorp
Classification: Likely pathogenic for Hermansky-Pudlak syndrome 9. Last evaluated: 2023-06-20. Review status: criteria provided, single submitter. Criteria: Invitae Variant Classification Sherloc (09022015). Collection method: clinical testing. Allele origin: germline.
Comment: In summary, the currently available evidence indicates that the variant is pathogenic, but additional data are needed to prove that conclusively. Therefore, this variant has been classified as Likely Pathogenic. Algorithms developed to predict the effect of sequence changes on RNA splicing suggest that this variant may disrupt the consensus splice site. This variant has not been reported in the literature in individuals affected with BLOC1S6-related conditions. This variant is not present in population databases (gnomAD no frequency). This sequence change affects an acceptor splice site in intron 3 of the BLOC1S6 gene. It is expected to disrupt RNA splicing. Variants that disrupt the donor or acceptor splice site typically lead to a loss of protein function (PMID: 16199547), and loss-of-function variants in BLOC1S6 are known to be pathogenic (PMID: 10610180, 21665000, 22461475).

Literature cited by the submitters: PubMed 16199547; PubMed 10610180; PubMed 21665000; PubMed 22461475.